The following is an entry in ClinVar:

NM_000532.5(PCCB):c.979C>T (p.Arg327Cys)

Gene: PCCB (propionyl-CoA carboxylase subunit beta; plus strand). Cytogenetic location: 3q22.3.
Variant type: single nucleotide variant.
Coding change: c.979C>T on transcript NM_000532.5 (MANE Select); coding-DNA position 979, C replaced by T.
Protein change: p.Arg327Cys; replaces arginine 327 with cysteine.
Molecular consequence: missense variant.
Genome position (GRCh38, 1-based): chr3:136,316,953, C>T. VCF-style: chr3-136316953-C-T. GRCh37 (hg19) VCF-style: chr3-136035795-C-T.
Other names: c.1039C>T, p.Arg347Cys (NM_001178014.2); short protein forms R327C, R347C.
Identifiers: ClinVar variation 1435457 (VCV001435457.3), dbSNP rs377660729, ClinGen allele CA2631974.

ClinVar aggregate classification (germline): Uncertain significance (1 of 4 stars; one submission).

Conditions:
Propionic acidemia (PROP). Also called: GLYCINEMIA, KETOTIC; HYPERGLYCINEMIA WITH KETOACIDOSIS AND LEUKOPENIA; KETOTIC HYPERGLYCINEMIA. Identifiers: Orphanet 35, MedGen C0268579, MONDO:0011628, OMIM 606054, HP:0003571.

Allele frequency attached by ClinVar (database versions not stated): gnomAD 0.00001; ESP Exome Variant Server 0.00008.
gnomAD v4.1: 29 of 1,613,812 alleles (0.0018%); highest among the groups gnomAD compares: East Asian, 0.027%; no homozygotes.

Submission:

Labcorp Genetics (formerly Invitae), Labcorp
Classification: Uncertain significance for Propionic acidemia. Last evaluated: 2021-10-14. Review status: criteria provided, single submitter. Criteria: Invitae Variant Classification Sherloc (09022015). Collection method: clinical testing. Allele origin: germline.
Comment: This sequence change replaces arginine with cysteine at codon 327 of the PCCB protein (p.Arg327Cys). The arginine residue is highly conserved and there is a large physicochemical difference between arginine and cysteine. This variant is present in population databases (rs377660729, ExAC 0.05%). This variant has not been reported in the literature in individuals affected with PCCB-related conditions. Algorithms developed to predict the effect of missense changes on protein structure and function are either unavailable or do not agree on the potential impact of this missense change (SIFT: "Deleterious"; PolyPhen-2: "Possibly Damaging"; Align-GVGD: "Class C15"). In summary, the available evidence is currently insufficient to determine the role of this variant in disease. Therefore, it has been classified as a Variant of Uncertain Significance.